The following is an entry in ClinVar:

NM_001164508.2(NEB):c.20836dup (p.Val6946fs)

Gene: NEB (nebulin; minus strand). Cytogenetic location: 2q23.3.
Variant type: Duplication.
Coding change: c.20836dup on transcript NM_001164508.2 (MANE Select); coding-DNA position 20836, one base duplicated (G; older notation c.20836dupG).
Protein change: p.Val6946fs; shifts the reading frame from valine 6946.
Molecular consequence: frameshift variant.
Genome position (GRCh38, 1-based): chr2:151,540,400, C duplicated on the plus strand (G on the coding strand, the reverse complement: NEB is on the minus strand); the first of 2 consecutive C bases (chr2:151,540,400-151,540,401); duplicating either gives the same sequence. VCF-style (leftmost placement, unchanged base first): chr2-151540399-A-AC. GRCh37 (hg19) VCF-style: chr2-152396913-A-AC.
Other names: c.20836dup, p.Val6946fs (NM_001164507.2, NM_001271208.2); c.15733dup, p.Val5245fs (NM_004543.5); short protein forms V5245fs, V6946fs.
Identifiers: ClinVar variation 5011825 (VCV005011825.1).

ClinVar aggregate classification (germline): Pathogenic (1 of 4 stars; one submission).

Conditions:
Nemaline myopathy 2 (NEM2). Also called: Nemaline myopathy 2, autosomal recessive. Identifiers: MedGen C1850569, MONDO:0009725, OMIM 256030.

Submission:

Myriad Genetics, Inc.
Classification: Pathogenic for Nemaline myopathy 2. Last evaluated: 2023-09-27. Review status: criteria provided, single submitter. Criteria: Myriad Autosomal Dominant, Autosomal Recessive and X-Linked Classification Criteria (2023). Collection method: clinical testing. Allele origin: unknown.
Comment: NM_001271208.1(NEB):c.20836dupG(V6946Gfs*19) is expected to be pathogenic in the context of NEB-related nemaline myopathy. This variant is predicted to lead to an abnormal or absent protein product due to the creation of a premature termination codon in NEB, a gene where loss-of-function variants are known to be pathogenic. Please note: this variant was assessed in the context of healthy population screening.